The following is an entry in ClinVar:

ClinVar aggregate classification (germline): Uncertain significance (1 of 4 stars; one submission).

Submission:

Labcorp Genetics (formerly Invitae), Labcorp
Classification: Uncertain significance. Last evaluated: 2024-11-19. Review status: criteria provided, single submitter. Criteria: Invitae Variant Classification Sherloc (09022015). Collection method: clinical testing. Allele origin: germline.
Comment: This sequence change replaces arginine, which is basic and polar, with serine, which is neutral and polar, at codon 136 of the CACNA2D4 protein (p.Arg136Ser). This variant is not present in population databases (gnomAD no frequency). This variant has not been reported in the literature in individuals affected with CACNA2D4-related conditions. An algorithm developed to predict the effect of missense changes on protein structure and function outputs the following: PolyPhen-2: "Benign". The serine amino acid residue is found in multiple mammalian species, which suggests that this missense change does not adversely affect protein function. In summary, the available evidence is currently insufficient to determine the role of this variant in disease. Therefore, it has been classified as a Variant of Uncertain Significance.

NM_172364.5(CACNA2D4):c.408G>C (p.Arg136Ser)

Gene: CACNA2D4 (calcium voltage-gated channel auxiliary subunit alpha2delta 4; minus strand). Cytogenetic location: 12p13.33.
Variant type: single nucleotide variant.
Coding change: c.408G>C on transcript NM_172364.5 (MANE Select); coding-DNA position 408, G replaced by C.
Protein change: p.Arg136Ser; replaces arginine 136 with serine.
Molecular consequence: missense variant.
Genome position (GRCh38, 1-based): chr12:1,913,041, C>G on the plus strand (G>C on the coding strand, the complement: CACNA2D4 is on the minus strand). VCF-style: chr12-1913041-C-G. GRCh37 (hg19) VCF-style: chr12-2022207-C-G.
Other names: short protein forms R136S.
Identifiers: ClinVar variation 3620628 (VCV003620628.2).